The following is an entry in ClinVar:

ClinVar aggregate classification (germline): Pathogenic (1 of 4 stars; one submission).

Submission:

Labcorp Genetics (formerly Invitae), Labcorp
Classification: Pathogenic. Last evaluated: 2022-07-31. Review status: criteria provided, single submitter. Criteria: Invitae Variant Classification Sherloc (09022015). Collection method: clinical testing. Allele origin: germline.
Comment: This variant is not present in population databases (gnomAD no frequency). This sequence change creates a premature translational stop signal (p.Leu1549Serfs*3) in the COL4A4 gene. It is expected to result in an absent or disrupted protein product. Loss-of-function variants in COL4A4 are known to be pathogenic (PMID: 21196518, 24854265, 25307543). This variant has not been reported in the literature in individuals affected with COL4A4-related conditions. For these reasons, this variant has been classified as Pathogenic.

Literature cited by the submitters: PubMed 21196518; PubMed 24854265; PubMed 25307543.

NM_000092.5(COL4A4):c.4645del (p.Leu1549fs)

Gene: COL4A4 (collagen type IV alpha 4 chain; minus strand). Cytogenetic location: 2q36.3.
Variant type: Deletion.
Coding change: c.4645del on transcript NM_000092.5 (MANE Select); coding-DNA position 4645, one base deleted (C; older notation c.4645delC).
Protein change: p.Leu1549fs; shifts the reading frame from leucine 1549.
Molecular consequence: frameshift variant.
Genome position (GRCh38, 1-based): chr2:227,008,182, G deleted on the plus strand (C on the coding strand, the reverse complement: COL4A4 is on the minus strand); the first of 4 consecutive G bases (chr2:227,008,182-227,008,185); deleting any one gives the same sequence. VCF-style (leftmost placement, unchanged base first): chr2-227008181-AG-A. GRCh37 (hg19) VCF-style: chr2-227872897-AG-A.
Other names: short protein forms L1549fs.
Identifiers: ClinVar variation 2019557 (VCV002019557.4), dbSNP rs2472611378, ClinGen allele CA2580065936.